The following is an entry in ClinVar:

NM_182961.4(SYNE1):c.13952A>G (p.Gln4651Arg)

Gene: SYNE1 (spectrin repeat containing nuclear envelope protein 1; minus strand). Cytogenetic location: 6q25.2.
Variant type: single nucleotide variant.
Coding change: c.13952A>G on transcript NM_182961.4 (MANE Select); coding-DNA position 13952, A replaced by G.
Protein change: p.Gln4651Arg; replaces glutamine 4651 with arginine.
Molecular consequence: missense variant.
Genome position (GRCh38, 1-based): chr6:152,330,733, T>C on the plus strand (A>G on the coding strand, the complement: SYNE1 is on the minus strand). VCF-style: chr6-152330733-T-C. GRCh37 (hg19) VCF-style: chr6-152651868-T-C.
Other names: c.13739A>G, p.Gln4580Arg (NM_033071.5); short protein forms Q4580R, Q4651R.
Identifiers: ClinVar variation 497841 (VCV000497841.13), dbSNP rs374697325, ClinGen allele CA4056096.
Genomic context (GRCh38, chr6:152,330,733, plus strand): 5'-AGAATTGCTTCCTGGACTTTATAGAACTTGTCTTTAGCCAAGGCAACAATTACATTAAAT[T>C]GTCGAGGCAAAGCATTTAGCTTTTCACTGAGGTAGGAATGATCGACTTCATTCAGCGATG-3'
Protein context (NP_892006.3, residues 4641-4661): LSEKLNALPR[Gln4651Arg]FNVIVALAKD

ClinVar aggregate classification (germline): Uncertain significance. Review status: criteria provided, multiple submitters, no conflicts (2 of 4 stars). 3 submissions from 3 submitters: Uncertain significance (3). Last evaluated 2025-01-08.

Conditions:
Emery-Dreifuss muscular dystrophy 4, autosomal dominant (EDMD4). Also called: EMERY-DREIFUSS MUSCULAR DYSTROPHY 4 WITH VARIABLE FEATURES. Identifiers: Orphanet 261, MedGen C2751807, MONDO:0013071, OMIM 612998.
Autosomal recessive ataxia, Beauce type. Also called: SYNE1-Related Autosomal Recessive Cerebellar Ataxia; Spinocerebellar ataxia, autosomal recessive 8; ATAXIA, RECESSIVE, OF BEAUCE; SYNE1 Deficiency. Identifiers: Orphanet 88644, MedGen C1853116, MONDO:0012549, OMIM 610743.

Allele frequency attached by ClinVar (database versions not stated): 1000 Genomes Project 30x 0.00016; 1000 Genomes Project 0.00020.
gnomAD v4.1: 45 of 1,614,060 alleles (0.0028%); highest among the groups gnomAD compares: South Asian, 0.02%; no homozygotes.

Submissions (3):

Revvity Omics, Revvity
Classification: Uncertain significance. Last evaluated: 2025-01-08. Review status: criteria provided, single submitter. Criteria: ACMG Guidelines, 2015. Collection method: clinical testing. Allele origin: germline.

Labcorp Genetics (formerly Invitae), Labcorp
Classification: Uncertain significance for Emery-Dreifuss muscular dystrophy 4, autosomal dominant; Autosomal recessive ataxia, Beauce type. Last evaluated: 2022-03-22. Review status: criteria provided, single submitter. Criteria: Invitae Variant Classification Sherloc (09022015). Collection method: clinical testing. Allele origin: germline.
Comment: This sequence change replaces glutamine, which is neutral and polar, with arginine, which is basic and polar, at codon 4580 of the SYNE1 protein (p.Gln4580Arg). This variant is present in population databases (rs374697325, gnomAD 0.03%). This variant has not been reported in the literature in individuals affected with SYNE1-related conditions. ClinVar contains an entry for this variant (Variation ID: 497841). Algorithms developed to predict the effect of missense changes on protein structure and function (SIFT, PolyPhen-2, Align-GVGD) all suggest that this variant is likely to be disruptive. In summary, the available evidence is currently insufficient to determine the role of this variant in disease. Therefore, it has been classified as a Variant of Uncertain Significance.

Eurofins Ntd Llc (ga)
Classification: Uncertain significance. Last evaluated: 2016-10-11. Review status: criteria provided, single submitter. Criteria: EGL Classification Definitions 2015. Collection method: clinical testing. Allele origin: germline. Observed: 1 variant allele, 1 heterozygote.